The following is an entry in ClinVar:

ClinVar aggregate classification (germline): Benign/Likely benign. Review status: criteria provided, multiple submitters, no conflicts (2 of 4 stars). 4 submissions from 4 submitters: Benign (1); Likely benign (3). Last evaluated 2025-11-23.

Conditions:
Hereditary coproporphyria (HCP). Also called: COPROPORPHYRINOGEN OXIDASE DEFICIENCY; CPO DEFICIENCY; CPOX DEFICIENCY; CPX DEFICIENCY; Hereditary coproporphyria porphyria; Porphyria hepatica coproporphyria. Identifiers: Orphanet 79273, MedGen C0162531, MONDO:0007369, OMIM 121300.

Allele frequency attached by ClinVar (database versions not stated): 1000 Genomes Project 30x 0.00047; 1000 Genomes Project 0.00060; ESP Exome Variant Server 0.00015; gnomAD exomes 0.00032; TOPMed 0.00032.
gnomAD v4.1: 526 of 1,614,030 alleles (0.033%); highest among the groups gnomAD compares: Middle Eastern, 0.066%; 1 homozygote.

Submissions (4):

Labcorp Genetics (formerly Invitae), Labcorp
Classification: Likely benign. Last evaluated: 2025-11-23. Review status: criteria provided, single submitter. Criteria: Invitae Variant Classification Sherloc (09022015). Collection method: clinical testing. Allele origin: germline.

CeGaT Center for Human Genetics Tuebingen
Classification: Likely benign. Last evaluated: 2025-04-01. Review status: criteria provided, single submitter. Criteria: CeGaT Center For Human Genetics Tuebingen Variant Classification Criteria Version 2. Collection method: clinical testing. Allele origin: germline. Affected: yes. Observed: 2 variant alleles.
Comment: CPOX: BP4, BP7

Illumina Laboratory Services, Illumina
Classification: Benign for Hereditary coproporphyria. Last evaluated: 2018-01-13. Review status: criteria provided, single submitter. Criteria: ICSL Variant Classification Criteria 13 December 2019. Collection method: clinical testing. Allele origin: germline.
Comment: This variant was observed in the ICSL laboratory as part of a predisposition screen in an ostensibly healthy population. It had not been previously curated by ICSL or reported in the Human Gene Mutation Database (HGMD: prior to June 1st, 2018), and was therefore a candidate for classification through an automated scoring system. Utilizing variant allele frequency, disease prevalence and penetrance estimates, and inheritance mode, an automated score was calculated to assess if this variant is too frequent to cause the disease. Based on the score and internal cut-off values, a variant classified as benign is not then subjected to further curation. The score for this variant resulted in a classification of benign for this disease.

Breakthrough Genomics
Classification: Likely benign. Review status: criteria provided, single submitter. Criteria: ACMG Guidelines, 2015. Collection method: not provided. Allele origin: germline. Inheritance: Autosomal recessive inheritance. Affected: yes.

NM_000097.7(CPOX):c.612G>A (p.Gly204=)

Gene: CPOX (coproporphyrinogen oxidase; minus strand). Cytogenetic location: 3q11.2.
Variant type: single nucleotide variant.
Coding change: c.612G>A on transcript NM_000097.7 (MANE Select); coding-DNA position 612, G replaced by A.
Protein change: p.Gly204=; no amino-acid change (glycine 204 retained).
Molecular consequence: synonymous variant.
Genome position (GRCh38, 1-based): chr3:98,591,100, C>T on the plus strand (G>A on the coding strand, the complement: CPOX is on the minus strand). VCF-style: chr3-98591100-C-T. GRCh37 (hg19) VCF-style: chr3-98309944-C-T.
Other names: c.612G>A, p.Gly204= (LRG_1077t1).
Identifiers: ClinVar variation 346981 (VCV000346981.22), dbSNP rs149384011, ClinGen allele CA2511663.